The following is an entry in ClinVar:

ClinVar aggregate classification (germline): Likely pathogenic (1 of 4 stars; one submission).

Conditions:
Rare genetic deafness. Identifiers: Orphanet 96210, MedGen C5680250.

Allele frequency attached by ClinVar (database versions not stated): gnomAD exomes 0.00001; ExAC 0.00002.
gnomAD v4.1: 2 of 1,614,192 alleles (0.00012%); highest among the groups gnomAD compares: Non-Finnish European, 0.00017%; no homozygotes.

Submission:

Laboratory for Molecular Medicine, Mass General Brigham Personalized Medicine
Classification: Likely pathogenic for Rare genetic deafness. Last evaluated: 2013-02-07. Review status: criteria provided, single submitter. Criteria: LMM Criteria. Collection method: clinical testing. Allele origin: germline. Inheritance: Autosomal recessive inheritance. Observed: 1 variant allele.
Comment: The Gly342Glu variant in TMPRSS3 has not been identified in the general populati on but has been reported in one family with nonsyndromic hearing loss (Duman 201 1). The three affected family members tested were homozygous for this variant an d consanguinity was noted. Computational analyses (biochemical amino acid proper ties, conservation, AlignGVGD, PolyPhen2, and SIFT) suggest that the Asp57Ala va riant may impact the protein, though this information is not predictive enough t o determine pathogenicity. In summary, this variant is likely to be pathogenic, though additional studies are required to fully establish its clinical significa nce.

Literature cited by the submitters: PubMed 21117948.

NM_001256317.3(TMPRSS3):c.1025G>A (p.Gly342Glu)

Gene: TMPRSS3 (transmembrane serine protease 3; minus strand). Cytogenetic location: 21q22.3.
Variant type: single nucleotide variant.
Coding change: c.1025G>A on transcript NM_001256317.3 (MANE Select); coding-DNA position 1025, G replaced by A.
Protein change: p.Gly342Glu; replaces glycine 342 with glutamic acid.
Molecular consequence: missense variant.
Genome position (GRCh38, 1-based): chr21:42,380,140, C>T on the plus strand (G>A on the coding strand, the complement: TMPRSS3 is on the minus strand). VCF-style: chr21-42380140-C-T. GRCh37 (hg19) VCF-style: chr21-43800249-C-T.
Other names: c.1025G>A, p.Gly342Glu (NM_024022.4); c.644G>A, p.Gly215Glu (NM_032404.3); short protein forms G342E, G215E.
Identifiers: ClinVar variation 46093 (VCV000046093.5), dbSNP rs397517368, ClinGen allele CA261808.
Genomic context (GRCh38, chr21:42,380,140, plus strand): 5'-GCCCCTGGACTCCGAATCTTGGCTTCAGCCCACTGACCTCCATCCTCTGTGGCCCCCCAT[C>T]CTGACGTCCAGCACACTTTTCCATCGGGGAAGTTCTCTTCAGAGTTGGGCAGGCACACAG-3'
Protein context (NP_001243246.1, residues 332-352): FPDGKVCWTS[Gly342Glu]WGATEDGGDA